The following is an entry in ClinVar:

NM_020338.4(ZMIZ1):c.155_160del (p.Ser52_Leu53del)

Gene: ZMIZ1 (zinc finger MIZ-type containing 1; plus strand). Cytogenetic location: 10q22.3.
Variant type: Deletion.
Coding change: c.155_160del on transcript NM_020338.4 (MANE Select); coding-DNA positions 155 to 160, 6 bases deleted (GCCTGA; older notation c.155_160delGCCTGA).
Protein change: p.Ser52_Leu53del.
Molecular consequence: inframe deletion.
Genome position (GRCh38, 1-based): chr10:79,208,430-79,208,435, GCCTGA deleted; deleting any 6 consecutive bases within chr10:79,208,428-79,208,435 gives the same sequence; the c. name uses the placement nearest the transcript's 3' end. VCF-style (leftmost placement, unchanged base first): chr10-79208427-AGAGCCT-A. GRCh37 (hg19) VCF-style: chr10-80968184-AGAGCCT-A.
Identifiers: ClinVar variation 2580716 (VCV002580716.1), dbSNP rs2493370960, ClinGen allele CA2580618148.

ClinVar aggregate classification (germline): Uncertain significance (1 of 4 stars; one submission).

Submission:

GeneDx
Classification: Uncertain significance. Last evaluated: 2023-03-24. Review status: criteria provided, single submitter. Criteria: GeneDx Variant Classification Process June 2021. Collection method: clinical testing. Allele origin: germline. Affected: yes.
Comment: In-frame deletion of 2 amino acids in a non-repeat region; Not observed at significant frequency in large population cohorts (gnomAD); In silico analysis supports that this variant does not alter protein structure/function; Has not been previously published as pathogenic or benign to our knowledge